The following is an entry in ClinVar:

ClinVar aggregate classification (germline): Uncertain significance (1 of 4 stars; one submission).

Conditions:
Autosomal recessive ataxia, Beauce type. Also called: Spinocerebellar ataxia, autosomal recessive 8; ATAXIA, RECESSIVE, OF BEAUCE; SYNE1-Related Autosomal Recessive Cerebellar Ataxia; SYNE1 Deficiency. Identifiers: Orphanet 88644, MedGen C1853116, MONDO:0012549, OMIM 610743.
Emery-Dreifuss muscular dystrophy 4, autosomal dominant (EDMD4). Also called: EMERY-DREIFUSS MUSCULAR DYSTROPHY 4 WITH VARIABLE FEATURES. Identifiers: Orphanet 261, MedGen C2751807, MONDO:0013071, OMIM 612998.

Allele frequency attached by ClinVar (database versions not stated): gnomAD exomes below 0.00001.
gnomAD v4.1: 1 of 1,614,194 alleles (0.000062%); highest among the groups gnomAD compares: Admixed American, 0.0017%; no homozygotes.

Submission:

Labcorp Genetics (formerly Invitae), Labcorp
Classification: Uncertain significance for Emery-Dreifuss muscular dystrophy 4, autosomal dominant; Autosomal recessive ataxia, Beauce type. Last evaluated: 2022-06-04. Review status: criteria provided, single submitter. Criteria: Invitae Variant Classification Sherloc (09022015). Collection method: clinical testing. Allele origin: germline.
Comment: In summary, the available evidence is currently insufficient to determine the role of this variant in disease. Therefore, it has been classified as a Variant of Uncertain Significance. Algorithms developed to predict the effect of missense changes on protein structure and function are either unavailable or do not agree on the potential impact of this missense change (SIFT: "Deleterious"; PolyPhen-2: "Probably Damaging"; Align-GVGD: "Class C0"). ClinVar contains an entry for this variant (Variation ID: 952899). This variant has not been reported in the literature in individuals affected with SYNE1-related conditions. This variant is not present in population databases (gnomAD no frequency). This sequence change replaces isoleucine, which is neutral and non-polar, with valine, which is neutral and non-polar, at codon 8454 of the SYNE1 protein (p.Ile8454Val).

NM_182961.4(SYNE1):c.25504A>G (p.Ile8502Val)

Gene: SYNE1 (spectrin repeat containing nuclear envelope protein 1; minus strand). Cytogenetic location: 6q25.2.
Variant type: single nucleotide variant.
Coding change: c.25504A>G on transcript NM_182961.4 (MANE Select); coding-DNA position 25504, A replaced by G.
Protein change: p.Ile8502Val; replaces isoleucine 8502 with valine.
Molecular consequence: missense variant.
Genome position (GRCh38, 1-based): chr6:152,136,773, T>C on the plus strand (A>G on the coding strand, the complement: SYNE1 is on the minus strand). VCF-style: chr6-152136773-T-C. GRCh37 (hg19) VCF-style: chr6-152457908-T-C.
Other names: c.2110A>G, p.Ile704Val (NM_001347701.2); c.2038A>G, p.Ile680Val (NM_001347702.2); c.25360A>G, p.Ile8454Val (NM_033071.5); short protein forms I8454V, I8502V, I680V, I704V.
Identifiers: ClinVar variation 952899 (VCV000952899.9), dbSNP rs2057180997, ClinGen allele CA366079110.